The following is an entry in ClinVar:

NM_000182.5(HADHA):c.612dup (p.Arg205Ter)

Gene: HADHA (hydroxyacyl-CoA dehydrogenase trifunctional multienzyme complex subunit alpha; minus strand). Cytogenetic location: 2p23.3.
Variant type: Duplication.
Coding change: c.612dup on transcript NM_000182.5 (MANE Select); coding-DNA position 612, one base duplicated (T; older notation c.612dupT).
Protein change: p.Arg205Ter; replaces arginine 205 with a stop codon.
Molecular consequence: nonsense.
Genome position (GRCh38, 1-based): chr2:26,230,256, A duplicated on the plus strand (T on the coding strand, the reverse complement: HADHA is on the minus strand). VCF-style (leftmost placement, unchanged base first): chr2-26230255-T-TA. GRCh37 (hg19) VCF-style: chr2-26453123-T-TA.
Other names: c.612dupT (NM_000182.4); short protein forms R205*.
Identifiers: ClinVar variation 638987 (VCV000638987.7), dbSNP rs1574623071, ClinGen allele CA915943738.

ClinVar aggregate classification (germline): Pathogenic (1 of 4 stars; one submission).

Conditions:
Mitochondrial trifunctional protein deficiency. Identifiers: Orphanet 746, MedGen C1969443, MONDO:0012172.
Long chain 3-hydroxyacyl-CoA dehydrogenase deficiency. Also called: LCHAD Deficiency; Deficiency of long-chain 3-hydroxyacyl-coenzyme A dehydrogenase. Identifiers: Orphanet 5, MedGen C3711645, MONDO:0012173, OMIM 609016.

Submission:

Labcorp Genetics (formerly Invitae), Labcorp
Classification: Pathogenic for Mitochondrial trifunctional protein deficiency; Long chain 3-hydroxyacyl-CoA dehydrogenase deficiency. Last evaluated: 2023-08-21. Review status: criteria provided, single submitter. Criteria: Invitae Variant Classification Sherloc (09022015). Collection method: clinical testing. Allele origin: germline.
Comment: For these reasons, this variant has been classified as Pathogenic. ClinVar contains an entry for this variant (Variation ID: 638987). This variant has not been reported in the literature in individuals affected with HADHA-related conditions. This variant is not present in population databases (gnomAD no frequency). This sequence change creates a premature translational stop signal (p.Arg205*) in the HADHA gene. It is expected to result in an absent or disrupted protein product. Loss-of-function variants in HADHA are known to be pathogenic (PMID: 7738175, 21103935, 21549624, 22459206).

Literature cited by the submitters: PubMed 7738175; PubMed 21103935; PubMed 21549624; PubMed 22459206.